The following is an entry in ClinVar:

ClinVar aggregate classification (germline): Benign/Likely benign. Review status: criteria provided, multiple submitters, no conflicts (2 of 4 stars). 15 submissions from 15 submitters: Benign (4); Likely benign (9). 2 of the submissions do not count toward it. Last evaluated 2026-06-01.

Conditions:
Hereditary cancer-predisposing syndrome. Also called: Neoplastic Syndromes, Hereditary; Hereditary Cancer Syndrome; Tumor predisposition; Hereditary neoplastic syndrome. Identifiers: Orphanet 140162, MedGen C0027672, MeSH D009386, MONDO:0015356.
Cardiovascular phenotype. Identifiers: MedGen CN230736.
Neurofibromatosis, type 1 (NF1). Also called: VON RECKLINGHAUSEN DISEASE; Peripheral type neurofibromatosis; NEUROFIBROMATOSIS, TYPE I, SOMATIC; Neurofibromatosis, type I. Identifiers: Orphanet 636, MedGen C0027831, MONDO:0018975, OMIM 162200. Disease mechanism: loss of function.

Submissions (15):

CeGaT Center for Human Genetics Tuebingen
Classification: Likely benign. Last evaluated: 2026-06-01. Review status: criteria provided, single submitter. Criteria: CeGaT Center For Human Genetics Tuebingen Variant Classification Criteria Version 2. Collection method: clinical testing. Allele origin: germline. Affected: yes. Observed: 8 variant alleles.
Comment: NF1: BP4, BS1

Labcorp Genetics (formerly Invitae), Labcorp
Classification: Benign for Neurofibromatosis, type 1. Last evaluated: 2026-01-30. Review status: criteria provided, single submitter. Criteria: Invitae Variant Classification Sherloc (09022015). Collection method: clinical testing. Allele origin: germline.

Myriad Genetics, Inc.
Classification: Likely benign for Neurofibromatosis, type 1. Last evaluated: 2026-01-15. Review status: criteria provided, single submitter. Criteria: Myriad Autosomal Dominant, Autosomal Recessive and X-Linked Classification Criteria (2023). Collection method: clinical testing. Allele origin: unknown.
Comment: This variant is considered likely benign. This variant is intronic and is not expected to impact mRNA splicing. This variant has been observed at a population frequency that is significantly greater than expected given the associated disease prevalence and penetrance.

ARUP Laboratories, Molecular Genetics and Genomics, ARUP Laboratories
Classification: Benign. Last evaluated: 2025-03-25. Review status: criteria provided, single submitter. Criteria: ARUP Molecular Germline Variant Investigation Process 2024. Collection method: clinical testing. Allele origin: germline.

Blueprint Genetics
Classification: Likely benign. Last evaluated: 2024-11-26. Review status: criteria provided, single submitter. Criteria: ACMG Guidelines, 2015. Collection method: clinical testing. Allele origin: germline.

Medical Genetics, University of Parma
Classification: Likely benign for Neurofibromatosis, type 1. Last evaluated: 2022-08-17. Review status: criteria provided, single submitter. Criteria: ACMG Guidelines, 2015. Collection method: clinical testing. Allele origin: germline. Inheritance: Autosomal dominant inheritance. Affected: yes.

Women's Health and Genetics/Laboratory Corporation of America, LabCorp
Classification: Benign. Last evaluated: 2022-04-19. Review status: criteria provided, single submitter. Criteria: LabCorp Variant Classification Summary - May 2015. Collection method: clinical testing. Allele origin: germline.
Comment: Variant summary: NF1 c.4111-8_4111-6delGTT alters a nucleotide located close to a canonical splice site and therefore could affect mRNA splicing, leading to a significantly altered protein sequence. 4/4 computational tools predict no significant impact on normal splicing. However, these predictions have yet to be confirmed by functional studies. A mini-gene assay showed the variant to not impact splicing (Morbidoni_2021). The variant allele was found at a frequency of 0.00046 in 251202 control chromosomes, predominantly at a frequency of 0.00088 within the Non-Finnish European subpopulation in the gnomAD database. The observed variant frequency within Non-Finnish European control individuals in the gnomAD database is approximately 4.22 fold of the estimated maximal expected allele frequency for a pathogenic variant in NF1 causing Neurofibromatosis Type 1 phenotype (0.00021), strongly suggesting that the variant is a benign polymorphism found primarily in populations of Non-Finnish European origin. c.4111-8_4111-6delGTT has been reported in the literature in individuals affected with Neurofibromatosis Type 1, and in one family the variant did not segregate with disease (Morbidoni_2021). Four clinical diagnostic laboratories have submitted clinical-significance assessments for this variant to ClinVar after 2014 without evidence for independent evaluation: three classified as likely benign/benign while one classified as VUS. Based on the evidence outlined above, the variant was classified as benign.

Genome-Nilou Lab
Classification: Benign for Neurofibromatosis, type 1. Last evaluated: 2022-03-15. Review status: criteria provided, single submitter. Criteria: ACMG Guidelines, 2015. Collection method: clinical testing. Allele origin: germline. Affected: no.

Ambry Genetics
Classification: Likely benign for Cardiovascular phenotype; Hereditary cancer-predisposing syndrome. Last evaluated: 2022-02-28. Review status: criteria provided, single submitter. Criteria: Ambry Variant Classification Scheme 2023. Collection method: clinical testing. Allele origin: germline.

Sema4
Classification: Likely benign for Hereditary cancer-predisposing syndrome. Last evaluated: 2021-03-30. Review status: criteria provided, single submitter. Criteria: Sema4 Curation Guidelines. Collection method: curation. Allele origin: germline.

GeneDx
Classification: Likely benign. Last evaluated: 2020-10-20. Review status: criteria provided, single submitter. Criteria: GeneDx Variant Classification Process June 2021. Collection method: clinical testing. Allele origin: germline. Affected: yes.
Comment: This variant is associated with the following publications: (PMID: 15060124)

Mendelics
Classification: Likely benign for Neurofibromatosis, type 1. Last evaluated: 2018-07-02. Review status: criteria provided, single submitter. Criteria: Mendelics Assertion Criteria 2017. Collection method: clinical testing. Allele origin: unknown.

PreventionGenetics, part of Exact Sciences
Classification: Likely benign. Last evaluated: 2014-02-21. Review status: criteria provided, single submitter. Criteria: ACMG Guidelines, 2015. Collection method: clinical testing. Allele origin: germline.

Clinical Genetics DNA and cytogenetics Diagnostics Lab, Erasmus MC, Erasmus Medical Center
Classification: Likely benign. Review status: no assertion criteria provided. Collection method: clinical testing. Allele origin: germline. Affected: yes. Study: VKGL Data-share Consensus. Not counted in ClinVar's aggregate classification.

Genome Diagnostics Laboratory, Amsterdam University Medical Center
Classification: Benign. Review status: no assertion criteria provided. Collection method: clinical testing. Allele origin: germline. Affected: yes. Study: VKGL Data-share Consensus. Not counted in ClinVar's aggregate classification.

Literature cited by the submitters: PubMed 10678181 (cited by Women's Health and Genetics/Laboratory Corporation of America, LabCorp); PubMed 23460398 (cited by Women's Health and Genetics/Laboratory Corporation of America, LabCorp); PubMed 27069254 (cited by Women's Health and Genetics/Laboratory Corporation of America, LabCorp); PubMed 33673681 (cited by Women's Health and Genetics/Laboratory Corporation of America, LabCorp).

NM_001042492.3(NF1):c.4174-8_4174-6del

Gene: NF1 (neurofibromin 1; plus strand). Cytogenetic location: 17q11.2.
Variant type: Deletion.
Coding change: c.4174-8_4174-6del on transcript NM_001042492.3 (MANE Select); 8 bases into the intron before coding-DNA position 4174 through 6 bases into the intron before coding-DNA position 4174, 3 bases deleted (GTT; older notation c.4174-8_4174-6delGTT).
Molecular consequence: intron variant.
Genome position (GRCh38, 1-based): chr17:31,258,336-31,258,338, GTT deleted; deleting any 3 consecutive bases within chr17:31,258,334-31,258,338 gives the same sequence; the c. name uses the placement nearest the transcript's 3' end. VCF-style (leftmost placement, unchanged base first): chr17-31258333-CTTG-C. GRCh37 (hg19) VCF-style: chr17-29585351-CTTG-C.
Other names: c.4174-8_4174-6delGTT (NM_001042492.2); c.4111-10_4111-8delTTG (NM_000267.3); c.4111-8_4111-6del (NM_000267.4); c.4111-8_4111-6delGTT (NM_000267.3); c.4111-9_4111-7delTGT (NM_000267.3).
Identifiers: ClinVar variation 221137 (VCV000221137.57), dbSNP rs751729752, ClinGen allele CA339144.